The following is an entry in ClinVar:

NM_002439.5(MSH3):c.2999A>G (p.Asp1000Gly)

Gene: MSH3 (mutS homolog 3; plus strand). Cytogenetic location: 5q14.1.
Variant type: single nucleotide variant.
Coding change: c.2999A>G on transcript NM_002439.5 (MANE Select); coding-DNA position 2999, A replaced by G.
Protein change: p.Asp1000Gly; replaces aspartic acid 1000 with glycine.
Molecular consequence: missense variant.
Genome position (GRCh38, 1-based): chr5:80,854,315, A>G. VCF-style: chr5-80854315-A-G. GRCh37 (hg19) VCF-style: chr5-80150134-A-G.
Other names: short protein forms D1000G.
Identifiers: ClinVar variation 2739312 (VCV002739312.3), dbSNP rs2478772090, ClinGen allele CA360275862.

ClinVar aggregate classification (germline): Uncertain significance (1 of 4 stars; one submission).

Submission:

Labcorp Genetics (formerly Invitae), Labcorp
Classification: Uncertain significance. Last evaluated: 2023-03-26. Review status: criteria provided, single submitter. Criteria: Invitae Variant Classification Sherloc (09022015). Collection method: clinical testing. Allele origin: germline.
Comment: This sequence change replaces aspartic acid, which is acidic and polar, with glycine, which is neutral and non-polar, at codon 1000 of the MSH3 protein (p.Asp1000Gly). This variant is not present in population databases (gnomAD no frequency). This variant has not been reported in the literature in individuals affected with MSH3-related conditions. An algorithm developed to predict the effect of missense changes on protein structure and function (PolyPhen-2) suggests that this variant is likely to be disruptive. In summary, the available evidence is currently insufficient to determine the role of this variant in disease. Therefore, it has been classified as a Variant of Uncertain Significance.